The following is an entry in ClinVar:

NM_058195.4(CDKN2A):c.40G>C (p.Ala14Pro)

Gene: CDKN2A (cyclin dependent kinase inhibitor 2A; minus strand). Cytogenetic location: 9p21.3.
Variant type: single nucleotide variant.
Coding change: c.40G>C on transcript NM_058195.4 (MANE Plus Clinical); coding-DNA position 40, G replaced by C.
Protein change: p.Ala14Pro; replaces alanine 14 with proline.
Molecular consequence: missense variant. On other transcripts: intron variant (1).
Genome position (GRCh38, 1-based): chr9:21,994,292, C>G on the plus strand (G>C on the coding strand, the complement: CDKN2A is on the minus strand). VCF-style: chr9-21994292-C-G. GRCh37 (hg19) VCF-style: chr9-21994291-C-G.
Other names: c.-4+529G>C (NM_001363763.2); short protein forms A14P.
Identifiers: ClinVar variation 1017702 (VCV001017702.6), dbSNP rs1241364288, ClinGen allele CA373087062.
Genomic context (GRCh38, chr9:21,994,292, plus strand): 5'-ACTCCCCCGTGAGCCGCGGGATGTGAACCACGAAAACCCTCACTCGCGGCGGGCCGCACG[C>G]GCGCCGAATCCGGAGGGTCACCAAGAACCTGCGCACCATGTTCTCGCCGCCTCCAGGGCC-3'
Protein context (NP_478102.2, residues 4-24): RFLVTLRIRR[Ala14Pro]CGPPRVRVFV

ClinVar aggregate classification (germline): Uncertain significance. Review status: criteria provided, multiple submitters, no conflicts (2 of 4 stars). 2 submissions from 2 submitters: Uncertain significance (2). Last evaluated 2024-03-29.

Conditions:
Familial melanoma. Also called: Hereditary melanoma; Hereditary cutaneous melanoma. Identifiers: Orphanet 618, MedGen C1512419, MONDO:0018961.
Hereditary cancer-predisposing syndrome. Also called: Neoplastic Syndromes, Hereditary; Tumor predisposition; Hereditary Cancer Syndrome; Hereditary neoplastic syndrome. Identifiers: Orphanet 140162, MedGen C0027672, MeSH D009386, MONDO:0015356.

Submissions (2):

Ambry Genetics
Classification: Uncertain significance for Hereditary cancer-predisposing syndrome. Last evaluated: 2024-03-29. Review status: criteria provided, single submitter. Criteria: Ambry Variant Classification Scheme 2023. Collection method: clinical testing. Allele origin: germline.
Comment: The p.A14P variant (also known as c.40G>C), located in coding exon 1 of the CDKN2A (p14ARF) gene, results from a G to C substitution at nucleotide position 40. The alanine at codon 14 is replaced by proline, an amino acid with highly similar properties. This amino acid position is not well conserved in available vertebrate species. Based on the available evidence, the clinical significance of this alteration remains unclear.

Labcorp Genetics (formerly Invitae), Labcorp
Classification: Uncertain significance for Familial melanoma. Last evaluated: 2021-07-14. Review status: criteria provided, single submitter. Criteria: Invitae Variant Classification Sherloc (09022015). Collection method: clinical testing. Allele origin: germline.